The following is an entry in ClinVar:

NM_014233.4(UBTF):c.1709C>T (p.Pro570Leu)

Genes: ATXN7L3-AS1 (ATXN7L3 antisense RNA 1; plus strand), UBTF (upstream binding transcription factor; minus strand). Cytogenetic location: 17q21.31.
Variant type: single nucleotide variant.
Coding change: c.1709C>T on transcript NM_014233.4 (MANE Select); coding-DNA position 1709, C replaced by T.
Protein change: p.Pro570Leu; replaces proline 570 with leucine.
Molecular consequence: missense variant. On other transcripts: non-coding transcript variant (1).
Genome position (GRCh38, 1-based): chr17:44,209,651, G>A on the plus strand (C>T on the coding strand, the complement: UBTF is on the minus strand). VCF-style: chr17-44209651-G-A. GRCh37 (hg19) VCF-style: chr17-42287019-G-A.
Other names: c.1598C>T, p.Pro533Leu (NM_001076683.2, NM_001076684.3); short protein forms P533L, P570L.
Identifiers: ClinVar variation 2502475 (VCV002502475.1), dbSNP rs2509928130, ClinGen allele CA399757113.
Genomic context (GRCh38, chr17:44,209,651, plus strand): 5'-ATCCAGCCCTGACCCTCCCCGACCTCCAGGGCAGACTCCAACCCCCAGGCTCACATGGGA[G>A]GCTTCTTGGGTTCTCCCTGGAATTTCATCTTCTTGGAAGAATTTGTAGCAGCTGGAGGTG-3'
Protein context (NP_055048.1, residues 560-580): KMKFQGEPKK[Pro570Leu]PMNGYQKFSQ

ClinVar aggregate classification (germline): Uncertain significance (1 of 4 stars; one submission).

Submission:

GeneDx
Classification: Uncertain significance. Last evaluated: 2022-11-22. Review status: criteria provided, single submitter. Criteria: GeneDx Variant Classification Process June 2021. Collection method: clinical testing. Allele origin: germline. Affected: yes.
Comment: Not observed at significant frequency in large population cohorts (gnomAD); In silico analysis supports that this missense variant has a deleterious effect on protein structure/function; Has not been previously published as pathogenic or benign to our knowledge